The following is an entry in ClinVar:

NM_001105206.3(LAMA4):c.4346G>A (p.Arg1449Gln)

Gene: LAMA4 (laminin subunit alpha 4; minus strand). Cytogenetic location: 6q21.
Variant type: single nucleotide variant.
Coding change: c.4346G>A on transcript NM_001105206.3 (MANE Select); coding-DNA position 4346, G replaced by A.
Protein change: p.Arg1449Gln; replaces arginine 1449 with glutamine.
Molecular consequence: missense variant.
Genome position (GRCh38, 1-based): chr6:112,122,143, C>T on the plus strand (G>A on the coding strand, the complement: LAMA4 is on the minus strand). VCF-style: chr6-112122143-C-T. GRCh37 (hg19) VCF-style: chr6-112443346-C-T.
Other names: c.4325G>A, p.Arg1442Gln (NM_001105207.3, NM_002290.5); short protein forms R1449Q, R1442Q.
Identifiers: ClinVar variation 1436240 (VCV001436240.9), dbSNP rs782695193, ClinGen allele CA3964991.

ClinVar aggregate classification (germline): Conflicting classifications of pathogenicity. Review status: criteria provided, conflicting classifications (1 of 4 stars). 3 submissions from 3 submitters: Uncertain significance (2); Likely benign (1). Last evaluated 2025-08-01.

Conditions:
Cardiovascular phenotype. Identifiers: MedGen CN230736.
Dilated cardiomyopathy 1JJ (CMD1JJ). Identifiers: Orphanet 154, MedGen C3808935, MONDO:0014095, OMIM 615235.

Allele frequency attached by ClinVar (database versions not stated): gnomAD exomes 0.00002 and 0.00004; gnomAD 0.00003 and 0.00004; ExAC 0.00004; TOPMed 0.00006.
gnomAD v4.1: 38 of 1,613,720 alleles (0.0024%); highest among the groups gnomAD compares: Middle Eastern, 0.016%; 1 homozygote.

Submissions (3):

Labcorp Genetics (formerly Invitae), Labcorp
Classification: Uncertain significance for Dilated cardiomyopathy 1JJ. Last evaluated: 2025-08-01. Review status: criteria provided, single submitter. Criteria: Invitae Variant Classification Sherloc (09022015). Collection method: clinical testing. Allele origin: germline.
Comment: This sequence change replaces arginine, which is basic and polar, with glutamine, which is neutral and polar, at codon 1442 of the LAMA4 protein (p.Arg1442Gln). This variant is present in population databases (rs782695193, gnomAD 0.01%). This variant has not been reported in the literature in individuals affected with LAMA4-related conditions. ClinVar contains an entry for this variant (Variation ID: 1436240). Invitae Evidence Modeling of protein sequence and biophysical properties (such as structural, functional, and spatial information, amino acid conservation, physicochemical variation, residue mobility, and thermodynamic stability) indicates that this missense variant is not expected to disrupt LAMA4 protein function with a negative predictive value of 80%. In summary, the available evidence is currently insufficient to determine the role of this variant in disease. Therefore, it has been classified as a Variant of Uncertain Significance.

Ambry Genetics
Classification: Likely benign for Cardiovascular phenotype. Last evaluated: 2023-04-24. Review status: criteria provided, single submitter. Criteria: Ambry Variant Classification Scheme 2023. Collection method: clinical testing. Allele origin: germline.

Fulgent Genetics
Classification: Uncertain significance for Dilated cardiomyopathy 1JJ. Last evaluated: 2021-08-05. Review status: criteria provided, single submitter. Criteria: ACMG Guidelines, 2015. Collection method: clinical testing. Allele origin: unknown.